The following is an entry in ClinVar:

ClinVar aggregate classification (germline): Uncertain significance (1 of 4 stars; one submission).

Conditions:
LRRK2-related disorder. Also called: LRRK2-related condition.

gnomAD v4.1: 3 of 1,611,072 alleles (0.00019%); highest among the groups gnomAD compares: South Asian, 0.0022%; no homozygotes.

Submission:

PreventionGenetics, part of Exact Sciences
Classification: Uncertain significance for LRRK2-related condition. Last evaluated: 2026-09-02. Review status: criteria provided, single submitter. Criteria: ACMG Guidelines, 2015. Collection method: clinical testing. Allele origin: germline.
Comment: The LRRK2 c.1171G>A variant is predicted to result in the amino acid substitution p.Glu391Lys. To our knowledge, this variant has not been reported in the literature or in a large population database (gnomAD), indicating this variant is rare. At this time, the clinical significance of this variant is uncertain due to the absence of conclusive functional and genetic evidence.

NM_198578.4(LRRK2):c.1171G>A (p.Glu391Lys)

Gene: LRRK2 (leucine rich repeat kinase 2; plus strand). Cytogenetic location: 12q12.
Variant type: single nucleotide variant.
Coding change: c.1171G>A on transcript NM_198578.4 (MANE Select); coding-DNA position 1171, G replaced by A.
Protein change: p.Glu391Lys; replaces glutamic acid 391 with lysine.
Molecular consequence: missense variant.
Genome position (GRCh38, 1-based): chr12:40,251,534, G>A. VCF-style: chr12-40251534-G-A. GRCh37 (hg19) VCF-style: chr12-40645336-G-A.
Other names: short protein forms E391K.
Identifiers: ClinVar variation 4991674 (VCV004991674.1).